The following is an entry in ClinVar:

ClinVar aggregate classification (germline): Uncertain significance (1 of 4 stars; one submission).

Submission:

CeGaT Center for Human Genetics Tuebingen
Classification: Uncertain significance. Last evaluated: 2023-04-01. Review status: criteria provided, single submitter. Criteria: CeGaT Center For Human Genetics Tuebingen Variant Classification Criteria Version 2. Collection method: clinical testing. Allele origin: germline. Affected: yes. Observed: 1 variant allele.
Comment: CSMD3: PM2, PS2:Supporting

NM_198123.2(CSMD3):c.5809+1del

Gene: CSMD3 (CUB and Sushi multiple domains 3; minus strand). Cytogenetic location: 8q23.3.
Variant type: Deletion.
Coding change: c.5809+1del on transcript NM_198123.2 (MANE Select); the canonical splice donor site of the intron after coding-DNA position 5809, one base deleted (G; older notation c.5809+1delG).
Molecular consequence: splice donor variant.
Genome position (GRCh38, 1-based): chr8:112,406,523, C deleted on the plus strand (G on the coding strand, the reverse complement: CSMD3 is on the minus strand); the first of 2 consecutive C bases (chr8:112,406,523-112,406,524); deleting either gives the same sequence. VCF-style (leftmost placement, unchanged base first): chr8-112406522-AC-A. GRCh37 (hg19) VCF-style: chr8-113418751-AC-A.
Other names: c.5209+1del (NM_001363185.1); c.5497+1del (NM_052900.3); c.5689+1del (NM_198124.2).
Identifiers: ClinVar variation 2658759 (VCV002658759.24), dbSNP rs2538727457, ClinGen allele CA2695201516.